The following is an entry in ClinVar:

NM_000051.4(ATM):c.3078-2A>G

Gene: ATM (ATM serine/threonine kinase; plus strand). Cytogenetic location: 11q22.3.
Variant type: single nucleotide variant.
Coding change: c.3078-2A>G on transcript NM_000051.4 (MANE Select); the canonical splice acceptor site of the intron before coding-DNA position 3078, A replaced by G.
Molecular consequence: splice acceptor variant.
Genome position (GRCh38, 1-based): chr11:108,272,530, A>G. VCF-style: chr11-108272530-A-G. GRCh37 (hg19) VCF-style: chr11-108143257-A-G.
Other names: c.3078-2A>G (NM_001351834.2).
Identifiers: ClinVar variation 1727323 (VCV001727323.8), dbSNP rs2135564916, ClinGen allele CA382514968.

ClinVar aggregate classification (germline): Pathogenic/Likely pathogenic. Review status: criteria provided, multiple submitters, no conflicts (2 of 4 stars). 2 submissions from 2 submitters: Pathogenic (1); Likely pathogenic (1). Last evaluated 2026-08-19.

Conditions:
Hereditary cancer-predisposing syndrome. Also called: Tumor predisposition; Hereditary neoplastic syndrome; Neoplastic Syndromes, Hereditary; Hereditary Cancer Syndrome. Identifiers: Orphanet 140162, MedGen C0027672, MeSH D009386, MONDO:0015356.
Ataxia-telangiectasia syndrome (AT). Also called: ATAXIA-TELANGIECTASIA, COMPLEMENTATION GROUP A; ATAXIA-TELANGIECTASIA, FRESNO VARIANT; Ataxia-telangiectasia; LOUIS-BAR SYNDROME; Cerebello-oculocutaneous telangiectasia; Immunodeficiency with ataxia telangiectasia. Identifiers: Orphanet 100, MedGen C0004135, MONDO:0008840, OMIM 208900.

Submissions (2):

Ambry Genetics
Classification: Likely pathogenic for Hereditary cancer-predisposing syndrome. Last evaluated: 2026-08-19. Review status: criteria provided, single submitter. Criteria: Ambry Variant Classification Scheme 2023. Collection method: clinical testing. Allele origin: germline.
Comment: The c.3078-2A>G intronic variant results from an A to G substitution two nucleotides upstream from coding exon 20 in the ATM gene. This nucleotide position is highly conserved in available vertebrate species. In silico splice site analysis predicts that this alteration will weaken the native splice acceptor site. Alterations that disrupt the canonical splice site are expected to cause aberrant splicing, resulting in an abnormal protein or a transcript that is subject to nonsense-mediated mRNA decay. As such, this alteration is classified as likely pathogenic.

Labcorp Genetics (formerly Invitae), Labcorp
Classification: Pathogenic for Ataxia-telangiectasia syndrome. Last evaluated: 2025-11-19. Review status: criteria provided, single submitter. Criteria: Invitae Variant Classification Sherloc (09022015). Collection method: clinical testing. Allele origin: germline.
Comment: This sequence change affects an acceptor splice site in intron 20 of the ATM gene. RNA analysis indicates that disruption of this splice site induces altered splicing and may result in an absent or altered protein product. This variant is not present in population databases (gnomAD no frequency). Disruption of this splice site has been observed in individual(s) with clinical features of ataxia-telangiectasia (PMID: 10234507). In at least one individual the data is consistent with being in trans (on the opposite chromosome) from a pathogenic variant. ClinVar contains an entry for this variant (Variation ID: 1727323). Studies have shown that disruption of this splice site results in skipping of exon 21 (also known as exon 23), and produces a non-functional protein and/or introduces a premature termination codon (PMID: 10234507). For these reasons, this variant has been classified as Pathogenic.

Literature cited by the submitters: PubMed 10234507 (cited by Labcorp Genetics (formerly Invitae), Labcorp).